The following is an entry in ClinVar:

NM_032833.5(PPP1R15B):c.1042C>T (p.Pro348Ser)

Gene: PPP1R15B (protein phosphatase 1 regulatory subunit 15B; minus strand). Cytogenetic location: 1q32.1.
Variant type: single nucleotide variant.
Coding change: c.1042C>T on transcript NM_032833.5 (MANE Select); coding-DNA position 1042, C replaced by T.
Protein change: p.Pro348Ser; replaces proline 348 with serine.
Molecular consequence: missense variant.
Genome position (GRCh38, 1-based): chr1:204,410,370, G>A on the plus strand (C>T on the coding strand, the complement: PPP1R15B is on the minus strand). VCF-style: chr1-204410370-G-A. GRCh37 (hg19) VCF-style: chr1-204379498-G-A.
Other names: short protein forms P348S.
Identifiers: ClinVar variation 3423887 (VCV003423887.2).

ClinVar aggregate classification (germline): Uncertain significance. Review status: criteria provided, multiple submitters, no conflicts (2 of 4 stars). 2 submissions from 2 submitters: Uncertain significance (2). Last evaluated 2025-05-06.

Conditions:
Inborn genetic diseases. Identifiers: MedGen C0950123, MeSH D030342.

gnomAD v4.1: 3 of 1,614,036 alleles (0.00019%); highest among the groups gnomAD compares: East Asian, 0.0045%; no homozygotes.

Submissions (2):

Labcorp Genetics (formerly Invitae), Labcorp
Classification: Uncertain significance. Last evaluated: 2025-05-06. Review status: criteria provided, single submitter. Criteria: Invitae Variant Classification Sherloc (09022015). Collection method: clinical testing. Allele origin: germline.
Comment: This sequence change replaces proline, which is neutral and non-polar, with serine, which is neutral and polar, at codon 348 of the PPP1R15B protein (p.Pro348Ser). This variant is present in population databases (no rsID available, gnomAD 0.01%). This variant has not been reported in the literature in individuals affected with PPP1R15B-related conditions. ClinVar contains an entry for this variant (Variation ID: 3423887). Invitae Evidence Modeling of protein sequence and biophysical properties (such as structural, functional, and spatial information, amino acid conservation, physicochemical variation, residue mobility, and thermodynamic stability) indicates that this missense variant is not expected to disrupt PPP1R15B protein function with a negative predictive value of 80%. In summary, the available evidence is currently insufficient to determine the role of this variant in disease. Therefore, it has been classified as a Variant of Uncertain Significance.

Ambry Genetics
Classification: Uncertain significance for Inborn genetic diseases. Last evaluated: 2024-08-28. Review status: criteria provided, single submitter. Criteria: Ambry Variant Classification Scheme 2023. Collection method: clinical testing. Allele origin: germline.